The following is an entry in ClinVar:

NM_001042681.2(RERE):c.986T>C (p.Met329Thr)

Gene: RERE (arginine-glutamic acid dipeptide repeats; minus strand). Cytogenetic location: 1p36.23.
Variant type: single nucleotide variant.
Coding change: c.986T>C on transcript NM_001042681.2 (MANE Select); coding-DNA position 986, T replaced by C.
Protein change: p.Met329Thr; replaces methionine 329 with threonine.
Molecular consequence: missense variant.
Genome position (GRCh38, 1-based): chr1:8,497,423, A>G on the plus strand (T>C on the coding strand, the complement: RERE is on the minus strand). VCF-style: chr1-8497423-A-G. GRCh37 (hg19) VCF-style: chr1-8557483-A-G.
Other names: c.986T>C, p.Met329Thr (NM_012102.4); short protein forms M329T.
Identifiers: ClinVar variation 2803228 (VCV002803228.3), dbSNP rs2521801398, ClinGen allele CA338223909.

ClinVar aggregate classification (germline): Uncertain significance (1 of 4 stars; one submission).

Submission:

Labcorp Genetics (formerly Invitae), Labcorp
Classification: Uncertain significance. Last evaluated: 2023-05-19. Review status: criteria provided, single submitter. Criteria: Invitae Variant Classification Sherloc (09022015). Collection method: clinical testing. Allele origin: germline.
Comment: In summary, the available evidence is currently insufficient to determine the role of this variant in disease. Therefore, it has been classified as a Variant of Uncertain Significance. Advanced modeling of protein sequence and biophysical properties (such as structural, functional, and spatial information, amino acid conservation, physicochemical variation, residue mobility, and thermodynamic stability) has been performed at Invitae for this missense variant, however the output from this modeling did not meet the statistical confidence thresholds required to predict the impact of this variant on RERE protein function. This variant has not been reported in the literature in individuals affected with RERE-related conditions. This variant is not present in population databases (gnomAD no frequency). This sequence change replaces methionine, which is neutral and non-polar, with threonine, which is neutral and polar, at codon 329 of the RERE protein (p.Met329Thr).